The following is an entry in ClinVar:

NM_022051.3(EGLN1):c.443A>C (p.Glu148Ala)

Gene: EGLN1 (egl-9 family hypoxia inducible factor 1; minus strand). Cytogenetic location: 1q42.2.
Variant type: single nucleotide variant.
Coding change: c.443A>C on transcript NM_022051.3 (MANE Select); coding-DNA position 443, A replaced by C.
Protein change: p.Glu148Ala; replaces glutamic acid 148 with alanine.
Molecular consequence: missense variant.
Genome position (GRCh38, 1-based): chr1:231,421,446, T>G on the plus strand (A>C on the coding strand, the complement: EGLN1 is on the minus strand). VCF-style: chr1-231421446-T-G. GRCh37 (hg19) VCF-style: chr1-231557192-T-G.
Other names: c.443A>C, p.Glu148Ala (NM_001377260.1, NM_001377261.1); short protein forms E148A.
Identifiers: ClinVar variation 5035849 (VCV005035849.1).
Genomic context (GRCh38, chr1:231,421,446, plus strand): 5'-GTGTTGCTTGGGGGGTACAGGTTCGCCTTCTCCTGGAACAGCGATGAGCGGGCCGGCGGC[T>G]CCTCCTTGCCGGGCTCGGCTTCGGCAGCCACCGCCGAGCCCTGGCCGCCGGCGGCCGCAC-3'
Protein context (NP_071334.1, residues 138-158): VAAEAEPGKE[Glu148Ala]PPARSSLFQE

ClinVar aggregate classification (germline): Uncertain significance (1 of 4 stars; one submission).

Submission:

Ambry Genetics
Classification: Uncertain significance. Last evaluated: 2026-06-16. Review status: criteria provided, single submitter. Criteria: Ambry Variant Classification Scheme 2023. Collection method: clinical testing. Allele origin: germline.
Comment: The p.E148A variant (also known as c.443A>C), located in coding exon 1 of the EGLN1 gene, results from an A to C substitution at nucleotide position 443. The glutamic acid at codon 148 is replaced by alanine, an amino acid with dissimilar properties. This amino acid position is conserved. In addition, this alteration is predicted to be tolerated by in silico analysis. Based on the available evidence, the clinical significance of this variant remains unclear.